The following is an entry in ClinVar:

ClinVar aggregate classification (germline): Likely pathogenic. Review status: criteria provided, multiple submitters, no conflicts (2 of 4 stars). 5 submissions from 5 submitters: Likely pathogenic (4). 1 of the submissions does not count toward it. Last evaluated 2024-06-10.

Conditions:
Cockayne syndrome. Identifiers: Orphanet 191, MedGen C0009207, MONDO:0016006.
Xeroderma pigmentosum, group F (XPF). Also called: XERODERMA PIGMENTOSUM, COMPLEMENTATION GROUP F; XERODERMA PIGMENTOSUM VI; XP, GROUP F; ERCC4-Related Xeroderma Pigmentosum; XERODERMA PIGMENTOSUM, TYPE F; Xeroderma pigmentosum, type 6. Identifiers: MedGen C0268140, MONDO:0010215, OMIM 278760.
Fanconi anemia complementation group Q. Identifiers: Orphanet 84, MedGen C3808988, MONDO:0014108, OMIM 615272.
ERCC4-Related Disorders.
XFE progeroid syndrome (XFEPS). Also called: XPF-ERCC1 PROGEROID SYNDROME. Identifiers: MedGen C1970416, MONDO:0012590, OMIM 610965.

Allele frequency attached by ClinVar (database versions not stated): TOPMed 0.00001; ESP Exome Variant Server 0.00008.
gnomAD v4.1: 3 of 1,614,148 alleles (0.00019%); highest among the groups gnomAD compares: Non-Finnish European, 0.00025%; no homozygotes.

Submissions (5):

Fulgent Genetics
Classification: Likely pathogenic for Xeroderma pigmentosum, group F; XFE progeroid syndrome; Fanconi anemia complementation group Q. Last evaluated: 2024-06-10. Review status: criteria provided, single submitter. Criteria: ACMG Guidelines, 2015. Collection method: clinical testing. Allele origin: germline.

Women's Health and Genetics/Laboratory Corporation of America, LabCorp
Classification: Likely pathogenic for ERCC4-Related Disorders. Last evaluated: 2024-06-06. Review status: criteria provided, single submitter. Criteria: LabCorp Variant Classification Summary - May 2015. Collection method: clinical testing. Allele origin: germline.
Comment: Variant summary: ERCC4 c.2065C>A (p.Arg689Ser) results in a non-conservative amino acid change located in the ERCC4 domain (IPR006166) of the encoded protein sequence. Five of five in-silico tools predict a damaging effect of the variant on protein function. The variant allele was found at a frequency of 8e-06 in 251434 control chromosomes (gnomAD). c.2065C>A has been reported in the literature in individuals affected with Fanconi anaemia in the homozygous state and in the compound heterozygous state with a pathogenic variant (Boliolo_2013, Ghemlas_2015). These data indicate that the variant may be associated with disease. Publications report experimental evidence evaluating an impact on protein function, finding that the variant results in a severe loss of nuclease and interstrand cross-link repair activity (Boliolo_2013, Osorio_2013). The following publications have been ascertained in the context of this evaluation (PMID: 23623386, 26136524, 24027083). ClinVar contains an entry for this variant (Variation ID: 55824). Based on the evidence outlined above, the variant was classified as likely pathogenic.

Revvity Omics, Revvity
Classification: Likely pathogenic. Last evaluated: 2021-12-06. Review status: criteria provided, single submitter. Criteria: ACMG Guidelines, 2015. Collection method: clinical testing. Allele origin: germline.

Labcorp Genetics (formerly Invitae), Labcorp
Classification: Likely pathogenic for Fanconi anemia complementation group Q; Xeroderma pigmentosum, group F; Cockayne syndrome. Last evaluated: 2019-06-04. Review status: criteria provided, single submitter. Criteria: Invitae Variant Classification Sherloc (09022015). Collection method: clinical testing. Allele origin: germline.
Comment: In summary, the currently available evidence indicates that the variant is pathogenic, but additional data are needed to prove that conclusively. Therefore, this variant has been classified as Likely Pathogenic. This variant has been reported to affect ERCC4 protein function (PMID: 23623386, 30165384, 28292785, 30658521). This variant has been observed in an individual affected with Fanconi anemia (PMID: 23623386). In this individual the data is consistent with the variant being in trans (on the opposite chromosome) from a pathogenic variant. ClinVar contains an entry for this variant (Variation ID: 55824). This variant is present in population databases (rs149364215, ExAC 0.003%). This sequence change replaces arginine with serine at codon 689 of the ERCC4 protein (p.Arg689Ser). The arginine residue is highly conserved and there is a moderate physicochemical difference between arginine and serine.

OMIM
Classification: Pathogenic for FANCONI ANEMIA, COMPLEMENTATION GROUP Q. Last evaluated: 2013-05-02. Review status: no assertion criteria provided. Collection method: literature only. Allele origin: germline. Not counted in ClinVar's aggregate classification.

Literature cited by the submitters: PubMed 26136524 (cited by Women's Health and Genetics/Laboratory Corporation of America, LabCorp); PubMed 23623386 (cited by 3 submitters); PubMed 24027083 (cited by Women's Health and Genetics/Laboratory Corporation of America, LabCorp); PubMed 30165384 (cited by Labcorp Genetics (formerly Invitae), Labcorp); PubMed 28292785 (cited by Labcorp Genetics (formerly Invitae), Labcorp); PubMed 30658521 (cited by Labcorp Genetics (formerly Invitae), Labcorp).

NM_005236.3(ERCC4):c.2065C>A (p.Arg689Ser)

Gene: ERCC4 (ERCC excision repair 4, endonuclease catalytic subunit; plus strand). Cytogenetic location: 16p13.12.
Variant type: single nucleotide variant.
Coding change: c.2065C>A on transcript NM_005236.3 (MANE Select); coding-DNA position 2065, C replaced by A.
Protein change: p.Arg689Ser; replaces arginine 689 with serine.
Molecular consequence: missense variant.
Genome position (GRCh38, 1-based): chr16:13,947,661, C>A. VCF-style: chr16-13947661-C-A. GRCh37 (hg19) VCF-style: chr16-14041518-C-A.
Other names: short protein forms R689S.
Identifiers: ClinVar variation 55824 (VCV000055824.16), dbSNP rs149364215, ClinGen allele CA143933.